The following is an entry in ClinVar:

ClinVar aggregate classification (germline): Likely benign. Review status: criteria provided, multiple submitters, no conflicts (2 of 4 stars). 2 submissions from 2 submitters: Likely benign (2). Last evaluated 2018-01-13.

Conditions:
Retinitis pigmentosa (RP). Identifiers: Orphanet 791, MedGen C0035334, MeSH D012174, MONDO:0019200, OMIM 268000. Inheritance: Autosomal dominant, autosomal recessive and X linked inheritance.

Allele frequency attached by ClinVar (database versions not stated): 1000 Genomes Project 0.00100; 1000 Genomes Project 30x 0.00109; TOPMed 0.00504; gnomAD 0.00555 and 0.00582.
gnomAD v4.1: 4,949 of 657,102 alleles (0.75%); highest among the groups gnomAD compares: Non-Finnish European, 0.98%; 31 homozygotes.

Submissions (2):

Illumina Laboratory Services, Illumina
Classification: Likely benign for Retinitis pigmentosa. Last evaluated: 2018-01-13. Review status: criteria provided, single submitter. Criteria: ICSL Variant Classification Criteria 13 December 2019. Collection method: clinical testing. Allele origin: germline.
Comment: This variant was observed in the ICSL laboratory as part of a predisposition screen in an ostensibly healthy population. It had not been previously curated by ICSL or reported in the Human Gene Mutation Database (HGMD: prior to June 1st, 2018), and was therefore a candidate for classification through an automated scoring system. Utilizing variant allele frequency, disease prevalence and penetrance estimates, and inheritance mode, an automated score was calculated to assess if this variant is too frequent to cause the disease. Based on the score and internal cut-off values, a variant classified as likely benign is not then subjected to further curation. The score for this variant resulted in a classification of likely benign for this disease.

Breakthrough Genomics
Classification: Likely benign. Review status: criteria provided, single submitter. Criteria: ACMG Guidelines, 2015. Collection method: not provided. Allele origin: germline. Inheritance: Autosomal dominant inheritance. Affected: yes.

NM_001354768.3(NRL):c.*113C>A

Gene: NRL (neural retina leucine zipper; minus strand). Cytogenetic location: 14q11.2.
Variant type: single nucleotide variant.
Coding change: c.*113C>A on transcript NM_001354768.3 (MANE Select); 113 bases downstream of the stop codon, C replaced by A.
Molecular consequence: 3 prime UTR variant.
Genome position (GRCh38, 1-based): chr14:24,081,123, G>T on the plus strand (C>A on the coding strand, the complement: NRL is on the minus strand). VCF-style: chr14-24081123-G-T. GRCh37 (hg19) VCF-style: chr14-24550332-G-T.
Other names: c.*113C>A (NM_001354769.1, NM_001354770.2, NM_006177.5).
Identifiers: ClinVar variation 312938 (VCV000312938.6), dbSNP rs3560, ClinGen allele CA10645085.